The following is an entry in ClinVar:

NM_015650.4(TRAF3IP1):c.1388_1395dup (p.Pro466fs)

Gene: TRAF3IP1 (TRAF3 interacting protein 1; plus strand). Cytogenetic location: 2q37.3.
Variant type: Duplication.
Coding change: c.1388_1395dup on transcript NM_015650.4 (MANE Select); coding-DNA positions 1388 to 1395, 8 bases duplicated (GTGCAAGA; older notation c.1388_1395dupGTGCAAGA).
Protein change: p.Pro466fs; shifts the reading frame from proline 466.
Molecular consequence: frameshift variant.
Genome position (GRCh38, 1-based): chr2:238,349,345-238,349,352, GTGCAAGA duplicated; duplicating any 8 consecutive bases within chr2:238,349,343-238,349,352 gives the same sequence; the c. name uses the placement nearest the transcript's 3' end. VCF-style (leftmost placement, unchanged base first): chr2-238349342-G-GGAGTGCAA. GRCh37 (hg19) VCF-style: chr2-239257983-G-GGAGTGCAA.
Other names: c.1190_1197dup, p.Pro400fs (NM_001139490.1); short protein forms P466fs, P400fs.
Identifiers: ClinVar variation 4717736 (VCV004717736.1).

ClinVar aggregate classification (germline): Pathogenic (1 of 4 stars; one submission).

Submission:

Labcorp Genetics (formerly Invitae), Labcorp
Classification: Pathogenic. Last evaluated: 2026-01-17. Review status: criteria provided, single submitter. Criteria: Invitae Variant Classification Sherloc (09022015). Collection method: clinical testing. Allele origin: germline.
Comment: This sequence change creates a premature translational stop signal (p.Pro466Valfs*32) in the TRAF3IP1 gene. It is expected to result in an absent or disrupted protein product. Loss-of-function variants in TRAF3IP1 are known to be pathogenic (PMID: 21945076, 26487268, 29068549). This variant is not present in population databases (gnomAD no frequency). This variant has not been reported in the literature in individuals affected with TRAF3IP1-related conditions. For these reasons, this variant has been classified as Pathogenic.

Literature cited by the submitters: PubMed 21945076; PubMed 26487268; PubMed 29068549.